The following is an entry in ClinVar:

ClinVar aggregate classification (germline): Uncertain significance (1 of 4 stars; one submission).

gnomAD v4.1: 1 of 1,613,882 alleles (0.000062%); highest among the groups gnomAD compares: Admixed American, 0.0017%; no homozygotes.

Submission:

GeneDx
Classification: Uncertain significance. Last evaluated: 2026-01-20. Review status: criteria provided, single submitter. Criteria: GeneDx Variant Classification Process June 2021. Collection method: clinical testing. Allele origin: germline.
Comment: Not observed at significant frequency in large population cohorts (gnomAD); In silico analysis supports that this missense variant has a deleterious effect on protein structure/function; Has not been previously published as pathogenic or benign to our knowledge

NM_001943.5(DSG2):c.593A>C (p.Tyr198Ser)

Gene: DSG2 (desmoglein 2; plus strand). Cytogenetic location: 18q12.1.
Variant type: single nucleotide variant.
Coding change: c.593A>C on transcript NM_001943.5 (MANE Select); coding-DNA position 593, A replaced by C.
Protein change: p.Tyr198Ser; replaces tyrosine 198 with serine.
Molecular consequence: missense variant.
Genome position (GRCh38, 1-based): chr18:31,522,152, A>C. VCF-style: chr18-31522152-A-C. GRCh37 (hg19) VCF-style: chr18-29102115-A-C.
Other names: short protein forms Y198S.
Identifiers: ClinVar variation 2499230 (VCV002499230.2), dbSNP rs786204291, ClinGen allele CA402133617.
Genomic context (GRCh38, chr18:31,522,152, plus strand): 5'-TGATGAAAATCAATGCAACAGATGCAGATGAGCCCAATACCCTGAATTCGAAAATTTCCT[A>C]TAGAATCGTATCTCTGGAGCCTGCTTATCCTCCAGTGTTCTACCTAAATAAAGATACAGG-3'
Protein context (NP_001934.2, residues 188-208): EPNTLNSKIS[Tyr198Ser]RIVSLEPAYP